The following is an entry in ClinVar:

ClinVar aggregate classification (germline): Likely benign. Review status: criteria provided, multiple submitters, no conflicts (2 of 4 stars). 2 submissions from 2 submitters: Likely benign (2). Last evaluated 2023-09-10.

Conditions:
Glycogen storage disease, type V (GSD5). Also called: McArdle type glycogen storage disease; MCARDLE DISEASE; MUSCLE GLYCOGEN PHOSPHORYLASE DEFICIENCY; MYOPHOSPHORYLASE DEFICIENCY; PYGM DEFICIENCY. Identifiers: Orphanet 368, MedGen C0017924, MONDO:0009293, OMIM 232600.

Allele frequency attached by ClinVar (database versions not stated): gnomAD 0.00001; gnomAD exomes 0.00001; TOPMed 0.00001; ExAC 0.00003.
gnomAD v4.1: 19 of 1,597,498 alleles (0.0012%); highest among the groups gnomAD compares: East Asian, 0.0045%; no homozygotes.

Submissions (2):

Labcorp Genetics (formerly Invitae), Labcorp
Classification: Likely benign for Glycogen storage disease, type V. Last evaluated: 2023-09-10. Review status: criteria provided, single submitter. Criteria: Invitae Variant Classification Sherloc (09022015). Collection method: clinical testing. Allele origin: germline.

GeneDx
Classification: Likely benign. Last evaluated: 2017-05-03. Review status: criteria provided, single submitter. Criteria: GeneDx Variant Classification (06012015). Collection method: clinical testing. Allele origin: germline. Affected: yes.
Comment: This variant is considered likely benign or benign based on one or more of the following criteria: it is a conservative change, it occurs at a poorly conserved position in the protein, it is predicted to be benign by multiple in silico algorithms, and/or has population frequency not consistent with disease.

NM_005609.4(PYGM):c.1093-10C>T

Gene: PYGM (glycogen phosphorylase, muscle associated; minus strand). Cytogenetic location: 11q13.1.
Variant type: single nucleotide variant.
Coding change: c.1093-10C>T on transcript NM_005609.4 (MANE Select); 10 bases into the intron before coding-DNA position 1093, C replaced by T.
Molecular consequence: intron variant.
Genome position (GRCh38, 1-based): chr11:64,754,035, G>A on the plus strand (C>T on the coding strand, the complement: PYGM is on the minus strand). VCF-style: chr11-64754035-G-A. GRCh37 (hg19) VCF-style: chr11-64521507-G-A.
Other names: c.829-10C>T (NM_001164716.1).
Identifiers: ClinVar variation 509203 (VCV000509203.9), dbSNP rs763253788, ClinGen allele CA6079998.